The following is an entry in ClinVar:

NM_001735.3(C5):c.4336del (p.Val1446fs)

Gene: C5 (complement C5; minus strand). Cytogenetic location: 9q33.2.
Variant type: Deletion.
Coding change: c.4336del on transcript NM_001735.3 (MANE Select); coding-DNA position 4336, one base deleted (G; older notation c.4336delG).
Protein change: p.Val1446fs; shifts the reading frame from valine 1446.
Molecular consequence: frameshift variant.
Genome position (GRCh38, 1-based): chr9:120,962,955, C deleted on the plus strand (G on the coding strand, the reverse complement: C5 is on the minus strand); the first of 4 consecutive C bases (chr9:120,962,955-120,962,958); deleting any one gives the same sequence. VCF-style (leftmost placement, unchanged base first): chr9-120962954-AC-A. GRCh37 (hg19) VCF-style: chr9-123725232-AC-A.
Other names: c.4336delG (NM_001735.2); c.4354del, p.Val1452fs (NM_001317163.2); short protein forms V1452fs, V1446fs.
Identifiers: ClinVar variation 517604 (VCV000517604.4), dbSNP rs1554718962, ClinGen allele CA658797265.
Genomic context (GRCh38, chr9:120,962,954, plus strand): 5'-GAATTCAGTTGCAGAATAACATGTCCATCTTTGATTTGGTAATCAGTGAATAGTTGATCC[AC>A]CCCTTCCACAAGCTAAGGGGGAAAAGAGAGAAGCTTGAATTTCATTTCATTATCTTTTTG-3'

ClinVar aggregate classification (germline): Likely pathogenic (1 of 4 stars; one submission).

Conditions:
Complement component 5 deficiency. Also called: C5 DEFICIENCY. Identifiers: MedGen C0343047, MONDO:0012295, OMIM 609536.

Submission:

Laboratory for Molecular Medicine, Mass General Brigham Personalized Medicine
Classification: Likely pathogenic for Complement component 5 deficiency. Last evaluated: 2017-09-09. Review status: criteria provided, single submitter. Criteria: LMM Criteria. Collection method: clinical testing. Allele origin: germline. Inheritance: Autosomal recessive inheritance. Observed: 1 variant allele.
Comment: The p.Val1446TrpfsX19 (NM_001735.2 c.4336delG) variant in C5 has not been report ed in individuals with complement component 5 deficiency and was absent from lar ge population studies. This variant is predicted to cause a frameshift, which al ters the protein?s amino acid sequence beginning at position 1446 and leads to a premature termination codon 19 amino acids downstream. This alteration is then predicted to lead to a truncated or absent protein. Biallelic loss of function o f the C5 gene is an established disease mechanism in complement component 5 defi ciency. In summary, although additional studies are required to fully establish its clinical significance, the p.Val1446TrpfsX19 variant is likely pathogenic fo r complement component 5 deficiency in an autosomal recessive manner based upon a predicted impact to the protein.